The following is an entry in ClinVar:

ClinVar aggregate classification (germline): Pathogenic (1 of 4 stars; one submission).

Conditions:
Hereditary cancer-predisposing syndrome. Also called: Neoplastic Syndromes, Hereditary; Tumor predisposition; Hereditary Cancer Syndrome; Hereditary neoplastic syndrome. Identifiers: Orphanet 140162, MedGen C0027672, MeSH D009386, MONDO:0015356.

Submission:

Ambry Genetics
Classification: Pathogenic for Hereditary cancer-predisposing syndrome. Last evaluated: 2025-07-10. Review status: criteria provided, single submitter. Criteria: Ambry Variant Classification Scheme 2023. Collection method: clinical testing. Allele origin: germline.
Comment: The c.1949delT pathogenic mutation, located in coding exon 9 of the BRCA1 gene, results from a deletion of one nucleotide at nucleotide position 1949, causing a translational frameshift with a predicted alternate stop codon (p.I650Kfs*51). This variant is considered to be rare based on population cohorts in the Genome Aggregation Database (gnomAD). This alteration is expected to result in loss of function by premature protein truncation or nonsense-mediated mRNA decay. As such, this alteration is interpreted as a disease-causing mutation.

NM_007294.4(BRCA1):c.1949del (p.Ile650fs)

Gene: BRCA1 (BRCA1 DNA repair associated; minus strand). Cytogenetic location: 17q21.31.
Variant type: Deletion.
Coding change: c.1949del on transcript NM_007294.4 (MANE Select); coding-DNA position 1949, one base deleted (T; older notation c.1949delT).
Protein change: p.Ile650fs; shifts the reading frame from isoleucine 650.
Molecular consequence: frameshift variant. On other transcripts: intron variant (137).
Genome position (GRCh38, 1-based): chr17:43,093,582, A deleted on the plus strand (T on the coding strand, the reverse complement: BRCA1 is on the minus strand). VCF-style (leftmost placement, unchanged base first): chr17-43093581-TA-T. GRCh37 (hg19) VCF-style: chr17-41245598-TA-T.
Other names: c.1826del, p.Ile609fs (NM_001407680.1, NM_001407681.1, NM_001407682.1 and 19 more transcripts); c.784+1162del (NM_001407984.1, NM_001408398.1, NM_001408397.1 and 13 more transcripts); c.664+1162del (NM_001408443.1, NM_001408439.1, NM_001408425.1 and 12 more transcripts); c.670+2264del (NM_001408419.1, NM_001408422.1, NM_001408423.1 and 2 more transcripts); c.787+1162del (NM_001408403.1, NM_001407983.1, NM_001407975.1 and 19 more transcripts); c.1949del, p.Ile650fs (NM_001407684.1, NM_001407854.1, NM_001407858.1 and 30 more transcripts); c.790+1159del (NM_001408406.1); c.643+1162del (NM_001408465.1, NM_001408463.1, NM_001408464.1 and 3 more transcripts); and 40 more; short protein forms I522fs, I539fs, I562fs, I583fs, I623fs, I647fs, I354fs, I538fs.
Identifiers: ClinVar variation 4215074 (VCV004215074.1).